The following is an entry in ClinVar:

Conditions:
Arteriohepatic dysplasia. Also called: Alagille Syndrome. Identifiers: Orphanet 52, MedGen C0085280, MeSH D016738, MONDO:0007318.

Submission:

Gilbert/Spinner Lab, Children's Hospital of Philadelphia
No classification provided (evidence only). Condition: Alagille syndrome. Review status: no classification provided. Collection method: research. Allele origin: not applicable. Functional consequence: functionally_abnormal.
ClinVar note: "not provided" was previously submitted as the classification for the variant. However, the classification appeared to be based only on an observation of functional data so it was converted to no classification on 2025-07-30.

NM_000214.3(JAG1):c.129G>C (p.Gln43His)

Gene: JAG1 (jagged canonical Notch ligand 1; minus strand). Cytogenetic location: 20p12.2.
Variant type: single nucleotide variant.
Coding change: c.129G>C on transcript NM_000214.3 (MANE Select); coding-DNA position 129, G replaced by C.
Protein change: p.Gln43His; replaces glutamine 43 with histidine.
Molecular consequence: missense variant.
Genome position (GRCh38, 1-based): chr20:10,672,959, C>G on the plus strand (G>C on the coding strand, the complement: JAG1 is on the minus strand). VCF-style: chr20-10672959-C-G. GRCh37 (hg19) VCF-style: chr20-10653607-C-G.
Other names: short protein forms Q43H.
Identifiers: ClinVar variation 3573414 (VCV003573414.2).
Genomic context (GRCh38, chr20:10,672,959, plus strand): 5'-GTCTCCCGGGTTCCGGGCGCCGCCGCAGCAGTTCCCGTTCTGCAGCTCCCCGTTCACGTT[C>G]TGCATGGACAGGATCTCCAACTCGAACTGACCCGAGGCCCCACACACCTGCCGGCGAGGG-3'
Protein context (NP_000205.1, residues 33-53): GQFELEILSM[Gln43His]NVNGELQNGN